The following is an entry in ClinVar:

ClinVar aggregate classification (germline): Uncertain significance (1 of 4 stars; one submission).

Conditions:
Megaconial type congenital muscular dystrophy (MDCMC). Also called: CHKB-Related Muscle Diseases; MUSCULAR DYSTROPHY, CONGENITAL, WITH MITOCHONDRIAL STRUCTURAL ABNORMALITIES; CHKB-Related Muscular Dystrophy. Identifiers: Orphanet 280671, MedGen C1865233, MONDO:0011246, OMIM 602541.

Submission:

3billion
Classification: Uncertain significance for Megaconial type congenital muscular dystrophy. Last evaluated: 2025-05-22. Review status: criteria provided, single submitter. Criteria: ACMG Guidelines, 2015. Collection method: clinical testing. Allele origin: germline. Affected: yes.
Comment: The variant is not observed in the gnomAD v4.1.0 dataset. Predicted Consequence/Location: Stop-gained (nonsense): predicted to result in a loss or disruption of normal protein function through protein truncation. The predicted truncated protein may be shortened by less than 10%. Therefore, this variant is classified as VUS according to the recommendation of ACMG/AMP guideline.

NM_005198.5(CHKB):c.1119T>A (p.Tyr373Ter)

Genes: CHKB-CPT1B (CHKB-CPT1B readthrough (NMD candidate); minus strand), CHKB (choline kinase beta; minus strand). Cytogenetic location: 22q13.33.
Variant type: single nucleotide variant.
Coding change: c.1119T>A on transcript NM_005198.5 (MANE Select); coding-DNA position 1119, T replaced by A.
Protein change: p.Tyr373Ter; replaces tyrosine 373 with a stop codon.
Molecular consequence: nonsense. On other transcripts: non-coding transcript variant (1).
Genome position (GRCh38, 1-based): chr22:50,579,250, A>T on the plus strand (T>A on the coding strand, the complement: CHKB is on the minus strand). VCF-style: chr22-50579250-A-T. GRCh37 (hg19) VCF-style: chr22-51017679-A-T.
Other names: short protein forms Y373*.
Identifiers: ClinVar variation 4855501 (VCV004855501.1).
Genomic context (GRCh38, chr22:50,579,250, plus strand): 5'-GGAGTGGACACTGGTCAGCTGCCCCTTCTGCTGGAAGTAGAACTGGAACCGAGACTGGGC[A>T]TAGTCCTAGGGAAGGAAACCCACCCCACACAGTGGTGAGAAGACGTGGGACCAGCATTCT-3'